The following is an entry in ClinVar:

ClinVar aggregate classification (germline): Pathogenic (1 of 4 stars; one submission).

Conditions:
Hereditary cancer-predisposing syndrome. Also called: Neoplastic Syndromes, Hereditary; Tumor predisposition; Hereditary Cancer Syndrome; Hereditary neoplastic syndrome. Identifiers: Orphanet 140162, MedGen C0027672, MeSH D009386, MONDO:0015356.

Submission:

Ambry Genetics
Classification: Pathogenic for Hereditary cancer-predisposing syndrome. Last evaluated: 2021-11-08. Review status: criteria provided, single submitter. Criteria: Ambry Variant Classification Scheme 2023. Collection method: clinical testing. Allele origin: germline.
Comment: The c.1706dupT pathogenic mutation, located in coding exon 4 of the MSH6 gene, results from a duplication of T at nucleotide position 1706, causing a translational frameshift with a predicted alternate stop codon (p.I570Hfs*7). This alteration is expected to result in loss of function by premature protein truncation or nonsense-mediated mRNA decay. As such, this alteration is interpreted as a disease-causing mutation.

NM_000179.3(MSH6):c.1706dup (p.Ile570fs)

Gene: MSH6 (mutS homolog 6; plus strand). Cytogenetic location: 2p16.3.
Variant type: Duplication.
Coding change: c.1706dup on transcript NM_000179.3 (MANE Select); coding-DNA position 1706, one base duplicated (T; older notation c.1706dupT).
Protein change: p.Ile570fs; shifts the reading frame from isoleucine 570.
Molecular consequence: frameshift variant.
Genome position (GRCh38, 1-based): chr2:47,799,689, T duplicated; the last of 5 consecutive T bases (chr2:47,799,685-47,799,689); duplicating any one gives the same sequence. VCF-style (leftmost placement, unchanged base first): chr2-47799684-G-GT. GRCh37 (hg19) VCF-style: chr2-48026823-G-GT.
Other names: c.1316dup, p.Ile440fs (NM_001281492.2); c.800dup, p.Ile268fs (NM_001281493.2, NM_001281494.2); c.1802dup, p.Ile602Hisfs (NM_001406795.1, NM_001406802.1); c.1706dup, p.Ile570Hisfs (NM_001406796.1, NM_001406798.1, NM_001406800.1 and 3 more transcripts); c.1409dup, p.Ile471Hisfs (NM_001406797.1, NM_001406801.1, NM_001406805.1 and 10 more transcripts); c.1181dup, p.Ile395Hisfs (NM_001406799.1, NM_001406806.1, NM_001406807.1); c.1628dup, p.Ile544Hisfs (NM_001406804.1); c.800dup, p.Ile268Hisfs (NM_001406811.1, NM_001406812.1, NM_001406814.1 and 4 more transcripts); and 3 more; short protein forms I268fs, I440fs, I570fs.
Identifiers: ClinVar variation 1778454 (VCV001778454.2), dbSNP rs587783056, ClinGen allele CA2580067679.
Genomic context (GRCh38, chr2:47,799,684, plus strand): 5'-AGATTCTTCTGGCCATACTCGTGCATATGGTGTGTGCTTTGTTGATACTTCACTGGGAAA[G>GT]TTTTTCATAGGTCAGTTTTCAGATGATCGCCATTGTTCGAGATTTAGGACTCTAGTGGCA-3'